The following is an entry in ClinVar:

NM_004973.4(JARID2):c.1192A>G (p.Lys398Glu)

Gene: JARID2 (jumonji and AT-rich interaction domain containing 2; plus strand). Cytogenetic location: 6p22.3.
Variant type: single nucleotide variant.
Coding change: c.1192A>G on transcript NM_004973.4 (MANE Select); coding-DNA position 1192, A replaced by G.
Protein change: p.Lys398Glu; replaces lysine 398 with glutamic acid.
Molecular consequence: missense variant.
Genome position (GRCh38, 1-based): chr6:15,496,417, A>G. VCF-style: chr6-15496417-A-G. GRCh37 (hg19) VCF-style: chr6-15496648-A-G.
Other names: c.676A>G, p.Lys226Glu (NM_001267040.1); short protein forms K226E, K398E.
Identifiers: ClinVar variation 3371439 (VCV003371439.1).

ClinVar aggregate classification (germline): Uncertain significance (1 of 4 stars; one submission).

Submission:

GeneDx
Classification: Uncertain significance. Last evaluated: 2024-03-22. Review status: criteria provided, single submitter. Criteria: GeneDx Variant Classification Process June 2021. Collection method: clinical testing. Allele origin: germline. Affected: yes.
Comment: Not observed at significant frequency in large population cohorts (gnomAD); In silico analysis supports that this missense variant does not alter protein structure/function; Has not been previously published as pathogenic or benign to our knowledge